The following is an entry in ClinVar:

ClinVar aggregate classification (germline): Uncertain significance (1 of 4 stars; one submission).

Conditions:
Pyruvate dehydrogenase E2 deficiency (PDHDD). Also called: Dihydrolipoamide Acetyltransferase (E2) Deficiency; LACTIC ACIDEMIA DUE TO DEFECT OF E2 LIPOYL TRANSACETYLASE OF THE PYRUVATE DEHYDROGENASE COMPLEX. Identifiers: Orphanet 765, Orphanet 79244, MedGen C1855565, MONDO:0009502, OMIM 245348.

gnomAD v4.1: 3 of 1,614,178 alleles (0.00019%); highest among the groups gnomAD compares: Non-Finnish European, 0.00017%; no homozygotes.

Submission:

Juno Genomics, Hangzhou Juno Genomics, Inc
Classification: Uncertain significance for Pyruvate dehydrogenase E2 deficiency. Review status: criteria provided, single submitter. Criteria: ACMG Guidelines, 2015. Collection method: clinical testing. Allele origin: germline.
Comment: Absent from controls (or at extremely low frequency if recessive) in Genome Aggregation Database.;Multiple lines of computational evidence support a deleterious effect on the gene or gene product.

NM_001931.5(DLAT):c.1183A>G (p.Ser395Gly)

Gene: DLAT (dihydrolipoamide S-acetyltransferase; plus strand). Cytogenetic location: 11q23.1.
Variant type: single nucleotide variant.
Coding change: c.1183A>G on transcript NM_001931.5 (MANE Select); coding-DNA position 1183, A replaced by G.
Protein change: p.Ser395Gly; replaces serine 395 with glycine.
Molecular consequence: missense variant. On other transcripts: non-coding transcript variant (1).
Genome position (GRCh38, 1-based): chr11:112,043,519, A>G. VCF-style: chr11-112043519-A-G. GRCh37 (hg19) VCF-style: chr11-111914243-A-G.
Other names: c.1177A>G, p.Ser393Gly (NM_001372032.1); c.1183A>G, p.Ser395Gly (NM_001372033.1, NM_001372035.1, NM_001372031.1); c.1150A>G, p.Ser384Gly (NM_001372034.1); c.1057A>G, p.Ser353Gly (NM_001372036.1); c.1015A>G, p.Ser339Gly (NM_001372037.1); c.904A>G, p.Ser302Gly (NM_001372038.1); c.868A>G, p.Ser290Gly (NM_001372039.1, NM_001372041.1); c.802A>G, p.Ser268Gly (NM_001372040.1); and 1 more; short protein forms S393G, S395G, S241G, S268G, S290G, S302G, S339G, S384G.
Identifiers: ClinVar variation 5007781 (VCV005007781.2).
Genomic context (GRCh38, chr11:112,043,519, plus strand): 5'-CTTACAGGGACAGGACCAGATGGTAGAATCACCAAGAAGGATATCGACTCTTTTGTGCCT[A>G]GTAAAGTTGCTCCTGTGAGTTATGTGTAGCTCTTACTTTTTTTGCAGTTTGTCTCTACAG-3'
Protein context (NP_001922.2, residues 385-405): TKKDIDSFVP[Ser395Gly]KVAPAPAAVV